The following is an entry in ClinVar:

ClinVar aggregate classification (germline): Likely benign (1 of 4 stars; one submission).

gnomAD v4.1: 1 of 1,614,042 alleles (0.000062%); highest among the groups gnomAD compares: Non-Finnish European, 0.000085%; no homozygotes.

Submission:

CeGaT Center for Human Genetics Tuebingen
Classification: Likely benign. Last evaluated: 2025-08-01. Review status: criteria provided, single submitter. Criteria: CeGaT Center For Human Genetics Tuebingen Variant Classification Criteria Version 2. Collection method: clinical testing. Allele origin: germline. Affected: yes. Observed: 1 variant allele.
Comment: OMG: BP4, BP7

NM_002544.5(OMG):c.277C>T (p.Leu93=)

Genes: NF1 (neurofibromin 1; plus strand), OMG (oligodendrocyte myelin glycoprotein; minus strand). Cytogenetic location: 17q11.2.
Variant type: single nucleotide variant.
Coding change: c.277C>T on transcript NM_002544.5 (MANE Select); coding-DNA position 277, C replaced by T.
Protein change: p.Leu93=; no amino-acid change (leucine 93 retained).
Molecular consequence: synonymous variant. On other transcripts: intron variant (2).
Genome position (GRCh38, 1-based): chr17:31,296,055, G>A on the plus strand (C>T on the coding strand, the complement: OMG is on the minus strand). VCF-style: chr17-31296055-G-A. GRCh37 (hg19) VCF-style: chr17-29623073-G-A.
Other names: c.4836-29765G>A (NM_001042492.3); c.4773-29765G>A (NM_000267.4).
Identifiers: ClinVar variation 4084084 (VCV004084084.8).